The following is an entry in ClinVar:

NM_001080467.3(MYO5B):c.2812-3C>A

Gene: MYO5B (myosin VB; minus strand). Cytogenetic location: 18q21.1.
Variant type: single nucleotide variant.
Coding change: c.2812-3C>A on transcript NM_001080467.3 (MANE Select); 3 bases into the intron before coding-DNA position 2812, C replaced by A.
Molecular consequence: intron variant.
Genome position (GRCh38, 1-based): chr18:49,895,177, G>T on the plus strand (C>A on the coding strand, the complement: MYO5B is on the minus strand). VCF-style: chr18-49895177-G-T. GRCh37 (hg19) VCF-style: chr18-47421547-G-T.
Identifiers: ClinVar variation 327036 (VCV000327036.13), dbSNP rs371540311, ClinGen allele CA8960924.

ClinVar aggregate classification (germline): Uncertain significance. Review status: criteria provided, multiple submitters, no conflicts (2 of 4 stars). 3 submissions from 3 submitters: Uncertain significance (2). 1 of the submissions does not count toward it. Last evaluated 2022-01-12.

Conditions:
MYO5B-related disorder. Also called: MYO5B-related condition.
Congenital microvillous atrophy (DIAR2). Also called: DAVIDSON DISEASE; MICROVILLUS ATROPHY, CONGENITAL; Microvillus inclusion disease; Diarrhea 2 with microvillus atrophy, with or without cholestasis; CONGENITAL FAMILIAL PROTRACTED DIARRHEA WITH ENTEROCYTE BRUSH-BORDER ABNORMALITIES. Identifiers: Orphanet 2290, MedGen C0341306, MONDO:0009635, OMIM 251850.

Allele frequency attached by ClinVar (database versions not stated): ExAC 0.00002; gnomAD 0.00002 and 0.00003; gnomAD exomes 0.00003 and 0.00004; TOPMed 0.00004; ESP Exome Variant Server 0.00008.
gnomAD v4.1: 66 of 1,608,202 alleles (0.0041%); highest among the groups gnomAD compares: Admixed American, 0.013%; no homozygotes.

Submissions (3):

Labcorp Genetics (formerly Invitae), Labcorp
Classification: Uncertain significance. Last evaluated: 2022-01-12. Review status: criteria provided, single submitter. Criteria: Invitae Variant Classification Sherloc (09022015). Collection method: clinical testing. Allele origin: germline.
Comment: This sequence change falls in intron 21 of the MYO5B gene. It does not directly change the encoded amino acid sequence of the MYO5B protein. It affects a nucleotide within the consensus splice site. This variant is present in population databases (rs371540311, gnomAD 0.01%). This variant has not been reported in the literature in individuals affected with MYO5B-related conditions. ClinVar contains an entry for this variant (Variation ID: 327036). Variants that disrupt the consensus splice site are a relatively common cause of aberrant splicing (PMID: 17576681, 9536098). Algorithms developed to predict the effect of sequence changes on RNA splicing suggest that this variant may disrupt the consensus splice site. In summary, the available evidence is currently insufficient to determine the role of this variant in disease. Therefore, it has been classified as a Variant of Uncertain Significance.

Illumina Laboratory Services, Illumina
Classification: Uncertain significance for Congenital microvillous atrophy. Last evaluated: 2018-01-12. Review status: criteria provided, single submitter. Criteria: ICSL Variant Classification Criteria 13 December 2019. Collection method: clinical testing. Allele origin: germline.

PreventionGenetics, part of Exact Sciences
Classification: Likely benign for MYO5B-related condition. Last evaluated: 2024-08-16. Review status: no assertion criteria provided. Collection method: clinical testing. Allele origin: germline. Not counted in ClinVar's aggregate classification.
Comment: This variant is classified as likely benign based on ACMG/AMP sequence variant interpretation guidelines (Richards et al. 2015 PMID: 25741868, with internal and published modifications).

Literature cited by the submitters: PubMed 17576681 (cited by Labcorp Genetics (formerly Invitae), Labcorp); PubMed 9536098 (cited by Labcorp Genetics (formerly Invitae), Labcorp).